The following is an entry in ClinVar:

ClinVar aggregate classification (germline): Uncertain significance (1 of 4 stars; one submission).

Conditions:
ITPR1-related syndromic and non-syndromic hereditary ataxias.

Submission:

Illumina Laboratory Services, Illumina
Classification: Uncertain significance for ITPR1-related syndromic and non-syndromic hereditary ataxias. Last evaluated: 2020-08-24. Review status: criteria provided, single submitter. Criteria: ICSLVariantClassificationCriteria RUGD 01 April 2020. Collection method: clinical testing. Allele origin: unknown.
Comment: The ITPR1 c.6706G>A (p.Val2236Met) variant is a missense variant. A literature search was performed for the gene, cDNA change, and amino acid change. No publications were found based on this search. This variant is not found in the Genome Aggregation Database and is in a region of good sequence coverage, so the variant is presumed to be rare. In silico tools predict a damaging effect on the protein. Based on the limited evidence, the p.Val2236Met variant is classified as a variant of uncertain significance for ITPR1-related syndromic and non-syndromic hereditary ataxias.

NM_001378452.1(ITPR1):c.6895G>A (p.Val2299Met)

Gene: ITPR1 (inositol 1,4,5-trisphosphate receptor type 1; plus strand). Cytogenetic location: 3p26.1.
Variant type: single nucleotide variant.
Coding change: c.6895G>A on transcript NM_001378452.1 (MANE Select); coding-DNA position 6895, G replaced by A.
Protein change: p.Val2299Met; replaces valine 2299 with methionine.
Molecular consequence: missense variant.
Genome position (GRCh38, 1-based): chr3:4,795,151, G>A. VCF-style: chr3-4795151-G-A. GRCh37 (hg19) VCF-style: chr3-4836835-G-A.
Other names: c.6751G>A, p.Val2251Met (NM_001099952.4); c.6850G>A, p.Val2284Met (NM_001168272.2); c.6706G>A, p.Val2236Met (NM_002222.7); short protein forms V2236M, V2251M, V2284M, V2299M.
Identifiers: ClinVar variation 989277 (VCV000989277.4), dbSNP rs2047817291, ClinGen allele CA351642742.